The following is an entry in ClinVar:

ClinVar aggregate classification (germline): Uncertain significance. Review status: criteria provided, multiple submitters, no conflicts (2 of 4 stars). 2 submissions from 2 submitters: Uncertain significance (2). Last evaluated 2025-08-24.

Conditions:
Hereditary nonpolyposis colorectal neoplasms. Identifiers: MedGen C0009405, MeSH D003123.
Hereditary cancer-predisposing syndrome. Also called: Tumor predisposition; Hereditary Cancer Syndrome; Neoplastic Syndromes, Hereditary; Hereditary neoplastic syndrome. Identifiers: Orphanet 140162, MedGen C0027672, MeSH D009386, MONDO:0015356.

Submissions (2):

Labcorp Genetics (formerly Invitae), Labcorp
Classification: Uncertain significance for Hereditary nonpolyposis colorectal neoplasms. Last evaluated: 2025-08-24. Review status: criteria provided, single submitter. Criteria: Invitae Variant Classification Sherloc (09022015). Collection method: clinical testing. Allele origin: germline.
Comment: This sequence change replaces histidine, which is basic and polar, with aspartic acid, which is acidic and polar, at codon 88 of the PMS2 protein (p.His88Asp). This variant is not present in population databases (gnomAD no frequency). This variant has not been reported in the literature in individuals affected with PMS2-related conditions. ClinVar contains an entry for this variant (Variation ID: 821565). Invitae Evidence Modeling incorporating data from in vitro experimental studies (internal data) indicates that this missense variant is expected to disrupt PMS2 function with a positive predictive value of 95%. In summary, the available evidence is currently insufficient to determine the role of this variant in disease. Therefore, it has been classified as a Variant of Uncertain Significance.

Ambry Genetics
Classification: Uncertain significance for Hereditary cancer-predisposing syndrome. Last evaluated: 2017-12-22. Review status: criteria provided, single submitter. Criteria: Ambry Variant Classification Scheme 2023. Collection method: clinical testing. Allele origin: germline.
Comment: The p.H88D variant (also known as c.262C>G), located in coding exon 4 of the PMS2 gene, results from a C to G substitution at nucleotide position 262. The histidine at codon 88 is replaced by aspartic acid, an amino acid with similar properties. This amino acid position is well conserved in available vertebrate species. In addition, the in silico prediction for this alteration is inconclusive. Since supporting evidence is limited at this time, the clinical significance of this alteration remains unclear.

NM_000535.7(PMS2):c.262C>G (p.His88Asp)

Gene: PMS2 (PMS1 homolog 2, mismatch repair system component; minus strand). Cytogenetic location: 7p22.1.
Variant type: single nucleotide variant.
Coding change: c.262C>G on transcript NM_000535.7 (MANE Select); coding-DNA position 262, C replaced by G.
Protein change: p.His88Asp; replaces histidine 88 with aspartic acid.
Molecular consequence: missense variant. On other transcripts: 5 prime UTR variant (9), non-coding transcript variant (1), intron variant (2).
Genome position (GRCh38, 1-based): chr7:6,003,781, G>C on the plus strand (C>G on the coding strand, the complement: PMS2 is on the minus strand). VCF-style: chr7-6003781-G-C. GRCh37 (hg19) VCF-style: chr7-6043412-G-C.
Other names: c.-144C>G (NM_001322003.2, NM_001322004.2, NM_001322005.2 and 3 more transcripts); c.262C>G, p.His88Asp (NM_001322006.2, NM_001322014.2); c.-623C>G (NM_001322011.2, NM_001322012.2); c.-223C>G (NM_001322015.2); c.35+191C>G (NM_001322008.2, NM_001322007.2); short protein forms H88D.
Identifiers: ClinVar variation 821565 (VCV000821565.5), dbSNP rs1243546223, ClinGen allele CA366744711.
Genomic context (GRCh38, chr7:6,003,781, plus strand): 5'-CCCGAAAGCCAAAAGTTTCAACCTGAGTTAGGTCGGCAAACTCTTGAATCTTAGATGTGT[G>C]ATGTTTCAGAGCTGAAAGAGAGTGTAAAGTAAGGACTAAGATATCTCAAGTGCTATAACA-3'
Protein context (NP_000526.2, residues 78-98): ENFEGLTLKH[His88Asp]TSKIQEFADL